The following is an entry in ClinVar:

ClinVar aggregate classification (germline): Uncertain significance. Review status: criteria provided, multiple submitters, no conflicts (2 of 4 stars). 2 submissions from 2 submitters: Uncertain significance (2). Last evaluated 2023-05-05.

Conditions:
Inborn genetic diseases. Identifiers: MedGen C0950123, MeSH D030342.
Nemaline myopathy 2 (NEM2). Also called: Nemaline myopathy 2, autosomal recessive. Identifiers: MedGen C1850569, MONDO:0009725, OMIM 256030.

Allele frequency attached by ClinVar (database versions not stated): gnomAD exomes below 0.00001; TOPMed below 0.00001; gnomAD 0.00001.
gnomAD v4.1: 2 of 1,609,854 alleles (0.00012%); highest among the groups gnomAD compares: Non-Finnish European, 0.00017%; no homozygotes.

Submissions (2):

Ambry Genetics
Classification: Uncertain significance for Inborn genetic diseases. Last evaluated: 2023-05-05. Review status: criteria provided, single submitter. Criteria: Ambry Variant Classification Scheme 2023. Collection method: clinical testing. Allele origin: germline.

Labcorp Genetics (formerly Invitae), Labcorp
Classification: Uncertain significance for Nemaline myopathy 2. Last evaluated: 2022-06-30. Review status: criteria provided, single submitter. Criteria: Invitae Variant Classification Sherloc (09022015). Collection method: clinical testing. Allele origin: germline.
Comment: This sequence change replaces aspartic acid, which is acidic and polar, with histidine, which is basic and polar, at codon 7282 of the NEB protein (p.Asp7282His). This variant is not present in population databases (gnomAD no frequency). This variant has not been reported in the literature in individuals affected with NEB-related conditions. Algorithms developed to predict the effect of missense changes on protein structure and function are either unavailable or do not agree on the potential impact of this missense change (SIFT: "Deleterious"; PolyPhen-2: "Not Available"; Align-GVGD: "Class C0"). In summary, the available evidence is currently insufficient to determine the role of this variant in disease. Therefore, it has been classified as a Variant of Uncertain Significance.

NM_001164508.2(NEB):c.21739G>C (p.Asp7247His)

Genes: NEB (nebulin; minus strand), RIF1 (replication timing regulatory factor 1; plus strand). Cytogenetic location: 2q23.3.
Variant type: single nucleotide variant.
Coding change: c.21739G>C on transcript NM_001164508.2 (MANE Select); coding-DNA position 21739, G replaced by C.
Protein change: p.Asp7247His; replaces aspartic acid 7247 with histidine.
Molecular consequence: missense variant.
Genome position (GRCh38, 1-based): chr2:151,527,582, C>G on the plus strand (G>C on the coding strand, the complement: NEB is on the minus strand). VCF-style: chr2-151527582-C-G. GRCh37 (hg19) VCF-style: chr2-152384096-C-G.
Other names: c.21739G>C, p.Asp7247His (NM_001164507.2); c.21844G>C, p.Asp7282His (NM_001271208.2); c.16636G>C, p.Asp5546His (NM_004543.5); c.16636G>C (NM_004543.4); short protein forms D5546H, D7247H, D7282H.
Identifiers: ClinVar variation 2143846 (VCV002143846.5), dbSNP rs1422204268, ClinGen allele CA348769168.